The following is an entry in ClinVar:

ClinVar aggregate classification (germline): Conflicting classifications of pathogenicity. Review status: criteria provided, conflicting classifications (1 of 4 stars). 8 submissions from 8 submitters: Uncertain significance (1); Benign (1); Likely benign (5). 1 of the submissions does not count toward it. Last evaluated 2026-05-30.

Conditions:
Cardiovascular phenotype. Identifiers: MedGen CN230736.
Hypertrophic cardiomyopathy 2. Also called: TNNT2-Related Familial Hypertrophic Cardiomyopathy. Identifiers: MedGen C1861864, MONDO:0007266, OMIM 115195.
Dilated cardiomyopathy 1D. Identifiers: Orphanet 154, Orphanet 54260, MedGen C1832243, MONDO:0011095, OMIM 601494.
Cardiomyopathy, familial restrictive, 3. Identifiers: Orphanet 75249, MedGen C2676271, MONDO:0012900, OMIM 612422.
Cardiomyopathy (CMYO). Also called: Cardiomyopathies. Identifiers: Orphanet 167848, MedGen C0878544, MONDO:0004994, HP:0001638. Inheritance: Various modes of inheritance.

Allele frequency attached by ClinVar (database versions not stated): gnomAD exomes 0.00001 and 0.00006; TOPMed 0.00001; ExAC 0.00001; gnomAD 0.00001.
gnomAD v4.1: 86 of 1,613,978 alleles (0.0053%); highest among the groups gnomAD compares: Non-Finnish European, 0.0071%; no homozygotes.

Submissions (8):

Women's Health and Genetics/Laboratory Corporation of America, LabCorp
Classification: Likely benign. Last evaluated: 2026-05-30. Review status: criteria provided, single submitter. Criteria: LabCorp Variant Classification Summary - May 2015. Collection method: clinical testing. Allele origin: germline.

Labcorp Genetics (formerly Invitae), Labcorp
Classification: Likely benign for Cardiomyopathy, familial restrictive, 3; Hypertrophic cardiomyopathy 2; Dilated cardiomyopathy 1D. Last evaluated: 2025-06-11. Review status: criteria provided, single submitter. Criteria: Invitae Variant Classification Sherloc (09022015). Collection method: clinical testing. Allele origin: germline.

Ambry Genetics
Classification: Likely benign for Cardiovascular phenotype. Last evaluated: 2023-12-28. Review status: criteria provided, single submitter. Criteria: Ambry Variant Classification Scheme 2023. Collection method: clinical testing. Allele origin: germline.

All of Us Research Program, National Institutes of Health
Classification: Likely benign for Cardiomyopathy. Last evaluated: 2023-12-18. Review status: criteria provided, single submitter. Criteria: ACMG Guidelines, 2015. Collection method: clinical testing. Allele origin: germline. Inheritance: Autosomal dominant inheritance. Observed: 5 variant alleles, 5 heterozygotes.
Comment: This study involves interpretation of variants in research participants for the purpose of population health screening. Participant phenotype was not available at the time of variant classification. Additional details can be found in publication PMID: 35346344, PMCID: PMC8962531

CHEO Genetics Diagnostic Laboratory, Children's Hospital of Eastern Ontario
Classification: Uncertain significance for Cardiomyopathy. Last evaluated: 2023-06-02. Review status: criteria provided, single submitter. Criteria: ACMG Guidelines, 2015. Collection method: clinical testing. Allele origin: germline.

Color Diagnostics, LLC DBA Color Health
Classification: Likely benign for Cardiomyopathy. Last evaluated: 2018-10-08. Review status: criteria provided, single submitter. Criteria: ACMG Guidelines, 2015. Collection method: clinical testing. Allele origin: germline.

GeneDx
Classification: Benign. Last evaluated: 2014-06-03. Review status: criteria provided, single submitter. Criteria: GeneDx Variant Classification (06012015). Collection method: clinical testing. Allele origin: germline. Affected: yes.
Comment: This variant is considered likely benign or benign based on one or more of the following criteria: it is a conservative change, it occurs at a poorly conserved position in the protein, it is predicted to be benign by multiple in silico algorithms, and/or has population frequency not consistent with disease.

Laboratory for Molecular Medicine, Mass General Brigham Personalized Medicine
Classification: Likely benign. Last evaluated: 2008-05-14. Review status: no assertion criteria provided. Collection method: clinical testing. Allele origin: germline. Observed: 1 variant allele. Not counted in ClinVar's aggregate classification.

NM_001276345.2(TNNT2):c.200-4C>G

Gene: TNNT2 (troponin T2, cardiac type; minus strand). Cytogenetic location: 1q32.1.
Variant type: single nucleotide variant.
Coding change: c.200-4C>G on transcript NM_001276345.2 (MANE Select); 4 bases into the intron before coding-DNA position 200, C replaced by G.
Molecular consequence: intron variant.
Genome position (GRCh38, 1-based): chr1:201,366,875, G>C on the plus strand (C>G on the coding strand, the complement: TNNT2 is on the minus strand). VCF-style: chr1-201366875-G-C. GRCh37 (hg19) VCF-style: chr1-201336003-G-C.
Other names: c.155-4C>G (NM_001001432.3); c.170-4C>G (NM_001001431.3, NM_001001430.3, NM_001276347.2); c.197-4C>G (NM_001276346.2); c.200-4C>G (NM_000364.4).
Identifiers: ClinVar variation 43614 (VCV000043614.26), dbSNP rs397516448, ClinGen allele CA004109.
Genomic context (GRCh38, chr1:201,366,875, plus strand): 5'-TACCCAGGTGCCTCCCCACTCACCTGGGCTTTGGTTTGGACTCCTCCATTGGGCCATCTG[G>C]AGGAGATAGAAGCACACAGCCATGGGTCAGGGGGCCCCAGAAGTGGTCCCAACTCCGCCC-3'